The following is an entry in ClinVar:

ClinVar aggregate classification (germline): Uncertain significance. Review status: criteria provided, single submitter (1 of 4 stars). 2 submissions from 2 submitters: Uncertain significance (1). 1 of the submissions does not count toward it. Last evaluated 2022-03-23.

Conditions:
Glycogen storage disease type III (GSD3). Also called: Cori disease; FORBES DISEASE. Identifiers: Orphanet 366, MedGen C0017922, MONDO:0009291, OMIM 232400.

Allele frequency attached by ClinVar (database versions not stated): gnomAD 0.00002; TOPMed 0.00002.
gnomAD v4.1: 3 of 1,613,928 alleles (0.00019%); highest among the groups gnomAD compares: Admixed American, 0.0017%; no homozygotes.

Submissions (2):

Labcorp Genetics (formerly Invitae), Labcorp
Classification: Uncertain significance for Glycogen storage disease type III. Last evaluated: 2022-03-23. Review status: criteria provided, single submitter. Criteria: Invitae Variant Classification Sherloc (09022015). Collection method: clinical testing. Allele origin: germline.
Comment: This sequence change replaces proline, which is neutral and non-polar, with serine, which is neutral and polar, at codon 737 of the AGL protein (p.Pro737Ser). This variant is present in population databases (no rsID available, gnomAD no frequency). This variant has not been reported in the literature in individuals affected with AGL-related conditions. ClinVar contains an entry for this variant (Variation ID: 569338). Algorithms developed to predict the effect of missense changes on protein structure and function are either unavailable or do not agree on the potential impact of this missense change (SIFT: "Tolerated"; PolyPhen-2: "Possibly Damaging"; Align-GVGD: "Class C0"). In summary, the available evidence is currently insufficient to determine the role of this variant in disease. Therefore, it has been classified as a Variant of Uncertain Significance.

Natera, Inc.
Classification: Uncertain significance for Glycogen storage disease type III. Last evaluated: 2020-07-09. Review status: no assertion criteria provided. Collection method: clinical testing. Allele origin: germline. Not counted in ClinVar's aggregate classification.

NM_000642.3(AGL):c.2209C>T (p.Pro737Ser)

Gene: AGL (amylo-alpha-1,6-glucosidase and 4-alpha-glucanotransferase; plus strand). Cytogenetic location: 1p21.2.
Variant type: single nucleotide variant.
Coding change: c.2209C>T on transcript NM_000642.3 (MANE Select); coding-DNA position 2209, C replaced by T.
Protein change: p.Pro737Ser; replaces proline 737 with serine.
Molecular consequence: missense variant.
Genome position (GRCh38, 1-based): chr1:99,881,592, C>T. VCF-style: chr1-99881592-C-T. GRCh37 (hg19) VCF-style: chr1-100347148-C-T.
Other names: c.2161C>T, p.Pro721Ser (NM_000646.3); c.2209C>T, p.Pro737Ser (NM_001425325.1, NM_001425326.1, NM_000028.3 and 2 more transcripts); c.2008C>T, p.Pro670Ser (NM_001425327.1); c.2005C>T, p.Pro669Ser (NM_001425328.1, NM_001425329.1); c.1831C>T, p.Pro611Ser (NM_001425332.1); short protein forms P737S, P721S, P611S, P669S, P670S.
Identifiers: ClinVar variation 569338 (VCV000569338.8), dbSNP rs1369361901, ClinGen allele CA341319849.